The following is an entry in ClinVar:

NM_004304.5(ALK):c.775C>T (p.Arg259Cys)

Gene: ALK (ALK receptor tyrosine kinase; minus strand). Cytogenetic location: 2p23.2.
Variant type: single nucleotide variant.
Coding change: c.775C>T on transcript NM_004304.5 (MANE Select); coding-DNA position 775, C replaced by T.
Protein change: p.Arg259Cys; replaces arginine 259 with cysteine.
Molecular consequence: missense variant.
Genome position (GRCh38, 1-based): chr2:29,717,590, G>A on the plus strand (C>T on the coding strand, the complement: ALK is on the minus strand). VCF-style: chr2-29717590-G-A. GRCh37 (hg19) VCF-style: chr2-29940456-G-A.
Other names: short protein forms R259C.
Identifiers: ClinVar variation 404385 (VCV000404385.16), dbSNP rs771593278, ClinGen allele CA1594872.
Genomic context (GRCh38, chr2:29,717,590, plus strand): 5'-ATGAGATAGTGACAGTGTATCTCAAGTAAATATTAAACATATACTTACCATATCGGCTGC[G>A]ATGAGACAGGAAAGGGAAGGAGTCTTTCATTATCCAGGTGAGATTCCATGTAAAATAATC-3'
Protein context (NP_004295.2, residues 249-269): MKDSFPFLSH[Arg259Cys]SRYGLECSFD

ClinVar aggregate classification (germline): Conflicting classifications of pathogenicity. Review status: criteria provided, conflicting classifications (1 of 4 stars). 5 submissions from 5 submitters: Uncertain significance (3); Likely benign (2). Last evaluated 2025-12-23.

Conditions:
Hereditary cancer-predisposing syndrome. Also called: Tumor predisposition; Neoplastic Syndromes, Hereditary; Hereditary Cancer Syndrome; Hereditary neoplastic syndrome. Identifiers: Orphanet 140162, MedGen C0027672, MeSH D009386, MONDO:0015356.
Neuroblastoma, susceptibility to, 3. Also called: ALK-Related Neuroblastic Tumor Susceptibility. Identifiers: Orphanet 635, MedGen C2751681, MONDO:0013083, OMIM 613014.

Allele frequency attached by ClinVar (database versions not stated): gnomAD 0.00001 and 0.00002; TOPMed 0.00005.
gnomAD v4.1: 34 of 1,613,862 alleles (0.0021%); highest among the groups gnomAD compares: Admixed American, 0.03%; no homozygotes.

Submissions (6):

Labcorp Genetics (formerly Invitae), Labcorp
Classification: Uncertain significance for Neuroblastoma, susceptibility to, 3. Last evaluated: 2025-12-23. Review status: criteria provided, single submitter. Criteria: Invitae Variant Classification Sherloc (09022015). Collection method: clinical testing. Allele origin: germline.
Comment: This sequence change replaces arginine, which is basic and polar, with cysteine, which is neutral and slightly polar, at codon 259 of the ALK protein (p.Arg259Cys). This variant is present in population databases (rs771593278, gnomAD 0.04%), and has an allele count higher than expected for a pathogenic variant. This variant has not been reported in the literature in individuals affected with ALK-related conditions. ClinVar contains an entry for this variant (Variation ID: 404385). An algorithm developed to predict the effect of missense changes on protein structure and function (PolyPhen-2) suggests that this variant is likely to be disruptive. In summary, the available evidence is currently insufficient to determine the role of this variant in disease. Therefore, it has been classified as a Variant of Uncertain Significance.

GeneDx
Classification: Uncertain significance. Last evaluated: 2025-02-12. Review status: criteria provided, single submitter. Criteria: GeneDx Variant Classification Process June 2021. Collection method: clinical testing. Allele origin: germline. Affected: yes.
Comment: In silico analysis indicates that this missense variant does not alter protein structure/function; Has not been previously published as pathogenic or benign to our knowledge; This variant is associated with the following publications: (PMID: 32936072)

Ambry Genetics
Classification: Likely benign for Hereditary cancer-predisposing syndrome. Last evaluated: 2024-05-23. Review status: criteria provided, single submitter. Criteria: Ambry Variant Classification Scheme 2023. Collection method: clinical testing. Allele origin: germline.

Baylor Genetics
Classification: Uncertain significance for Neuroblastoma, susceptibility to, 3. Last evaluated: 2023-10-15. Review status: criteria provided, single submitter. Criteria: ACMG Guidelines, 2015. Collection method: clinical testing. Allele origin: unknown.

Sema4
Classification: Likely benign for Hereditary cancer-predisposing syndrome. Last evaluated: 2021-08-19. Review status: criteria provided, single submitter. Criteria: Sema4 Curation Guidelines. Collection method: curation. Allele origin: germline.

Dr. Peter K. Rogan Lab, Western University
No classification provided (evidence only). Condition: Malignant tumor of urinary bladder. Review status: no classification provided. Collection method: in vitro. Allele origin: not applicable. Functional consequence: retained intron. Not counted in ClinVar's aggregate classification.